The following is an entry in ClinVar:

ClinVar aggregate classification (germline): Uncertain significance (1 of 4 stars; one submission).

Allele frequency attached by ClinVar (database versions not stated): gnomAD exomes 0.00001; TOPMed 0.00002.
gnomAD v4.1: 7 of 1,514,946 alleles (0.00046%); highest among the groups gnomAD compares: East Asian, 0.0025%; no homozygotes.

Submission:

Labcorp Genetics (formerly Invitae), Labcorp
Classification: Uncertain significance. Last evaluated: 2022-02-03. Review status: criteria provided, single submitter. Criteria: Invitae Variant Classification Sherloc (09022015). Collection method: clinical testing. Allele origin: germline.
Comment: This sequence change replaces arginine, which is basic and polar, with tryptophan, which is neutral and slightly polar, at codon 769 of the PDZD7 protein (p.Arg769Trp). This variant is not present in population databases (gnomAD no frequency). This variant has not been reported in the literature in individuals affected with PDZD7-related conditions. Algorithms developed to predict the effect of missense changes on protein structure and function are either unavailable or do not agree on the potential impact of this missense change (SIFT: "Deleterious"; PolyPhen-2: "Not Available"; Align-GVGD: "Class C0"). In summary, the available evidence is currently insufficient to determine the role of this variant in disease. Therefore, it has been classified as a Variant of Uncertain Significance.

NM_001195263.2(PDZD7):c.2305C>T (p.Arg769Trp)

Gene: PDZD7 (PDZ domain containing 7; minus strand). Cytogenetic location: 10q24.31.
Variant type: single nucleotide variant.
Coding change: c.2305C>T on transcript NM_001195263.2 (MANE Select); coding-DNA position 2305, C replaced by T.
Protein change: p.Arg769Trp; replaces arginine 769 with tryptophan.
Molecular consequence: missense variant.
Genome position (GRCh38, 1-based): chr10:101,010,584, G>A on the plus strand (C>T on the coding strand, the complement: PDZD7 is on the minus strand). VCF-style: chr10-101010584-G-A. GRCh37 (hg19) VCF-style: chr10-102770341-G-A.
Other names: short protein forms R769W.
Identifiers: ClinVar variation 1967234 (VCV001967234.2), dbSNP rs945867725, ClinGen allele CA212978721.